The following is an entry in ClinVar:

ClinVar aggregate classification (germline): Uncertain significance (1 of 4 stars; one submission).

Allele frequency attached by ClinVar (database versions not stated): ExAC 0.00001; gnomAD 0.00001; gnomAD exomes 0.00001; TOPMed 0.00001.

Submission:

Labcorp Genetics (formerly Invitae), Labcorp
Classification: Uncertain significance. Last evaluated: 2022-05-20. Review status: criteria provided, single submitter. Criteria: Invitae Variant Classification Sherloc (09022015). Collection method: clinical testing. Allele origin: germline.
Comment: This sequence change replaces glycine, which is neutral and non-polar, with aspartic acid, which is acidic and polar, at codon 110 of the ATOH7 protein (p.Gly110Asp). This variant is present in population databases (rs761994815, gnomAD 0.003%). This variant has not been reported in the literature in individuals affected with ATOH7-related conditions. Algorithms developed to predict the effect of missense changes on protein structure and function output the following: SIFT: "Tolerated"; PolyPhen-2: "Benign"; Align-GVGD: "Class C0". The aspartic acid amino acid residue is found in multiple mammalian species, which suggests that this missense change does not adversely affect protein function. Algorithms developed to predict the effect of sequence changes on RNA splicing suggest that this variant may disrupt the consensus splice site. In summary, the available evidence is currently insufficient to determine the role of this variant in disease. Therefore, it has been classified as a Variant of Uncertain Significance.

NM_145178.4(ATOH7):c.329G>A (p.Gly110Asp)

Gene: ATOH7 (atonal bHLH transcription factor 7; minus strand). Cytogenetic location: 10q21.3.
Variant type: single nucleotide variant.
Coding change: c.329G>A on transcript NM_145178.4 (MANE Select); coding-DNA position 329, G replaced by A.
Protein change: p.Gly110Asp; replaces glycine 110 with aspartic acid.
Molecular consequence: missense variant.
Genome position (GRCh38, 1-based): chr10:68,231,349, C>T on the plus strand (G>A on the coding strand, the complement: ATOH7 is on the minus strand). VCF-style: chr10-68231349-C-T. GRCh37 (hg19) VCF-style: chr10-69991106-C-T.
Other names: short protein forms G110D.
Identifiers: ClinVar variation 1516555 (VCV001516555.5), dbSNP rs761994815, ClinGen allele CA5523342.
Genomic context (GRCh38, chr10:68,231,349, plus strand): 5'-GGCAGCTTCGCGCCCGGGAACGGGAGGTAGTGGTCGCGGCCGAAGTGCTCACAGTGGAGA[C>T]CCACCCAGTCCCGCTCCGAGCCGAATCGCTCGGCCTCGGCCAGGATCCGGGTCAGAGCCA-3'
Protein context (NP_660161.1, residues 100-120): ERFGSERDWV[Gly110Asp]LHCEHFGRDH